The following is an entry in ClinVar:

ClinVar aggregate classification (germline): Uncertain significance (1 of 4 stars; one submission).

Conditions:
Inborn genetic diseases. Identifiers: MedGen C0950123, MeSH D030342.

Submission:

Ambry Genetics
Classification: Uncertain significance for Inborn genetic diseases. Last evaluated: 2019-10-15. Review status: criteria provided, single submitter. Criteria: Ambry Variant Classification Scheme 2023. Collection method: clinical testing. Allele origin: germline.
Comment: The p.I622M variant (also known as c.1866A>G), located in coding exon 9 of the SPG11 gene, results from an A to G substitution at nucleotide position 1866. The isoleucine at codon 622 is replaced by methionine, an amino acid with highly similar properties. This amino acid position is poorly conserved in available vertebrate species. In addition, this alteration is predicted to be tolerated by in silico analysis. Since supporting evidence is limited at this time, the clinical significance of this alteration remains unclear.

NM_025137.4(SPG11):c.1866A>G (p.Ile622Met)

Gene: SPG11 (SPG11 vesicle trafficking associated, spatacsin; minus strand). Cytogenetic location: 15q21.1.
Variant type: single nucleotide variant.
Coding change: c.1866A>G on transcript NM_025137.4 (MANE Select); coding-DNA position 1866, A replaced by G.
Protein change: p.Ile622Met; replaces isoleucine 622 with methionine.
Molecular consequence: missense variant.
Genome position (GRCh38, 1-based): chr15:44,629,258, T>C on the plus strand (A>G on the coding strand, the complement: SPG11 is on the minus strand). VCF-style: chr15-44629258-T-C. GRCh37 (hg19) VCF-style: chr15-44921456-T-C.
Other names: c.1866A>G, p.Ile622Met (NM_001160227.2, NM_001411132.1); short protein forms I622M.
Identifiers: ClinVar variation 1781580 (VCV001781580.2), dbSNP rs1336753682, ClinGen allele CA392234512.